The following is an entry in ClinVar:

ClinVar aggregate classification (germline): Uncertain significance (1 of 4 stars; one submission).

Conditions:
Sphingolipid activator protein 1 deficiency. Also called: Metachromatic leukodystrophy due to saposin B deficiency; METACHROMATIC LEUKODYSTROPHY DUE TO CEREBROSIDE SULFATASE ACTIVATOR DEFICIENCY; Saposin B Deficiency. Identifiers: Orphanet 512, MedGen C0268262, MONDO:0009590, OMIM 249900.

Submission:

Labcorp Genetics (formerly Invitae), Labcorp
Classification: Uncertain significance for Sphingolipid activator protein 1 deficiency. Last evaluated: 2023-11-27. Review status: criteria provided, single submitter. Criteria: Invitae Variant Classification Sherloc (09022015). Collection method: clinical testing. Allele origin: germline.
Comment: This sequence change replaces glutamic acid, which is acidic and polar, with alanine, which is neutral and non-polar, at codon 356 of the PSAP protein (p.Glu356Ala). This variant is present in population databases (rs763529106, gnomAD 0.004%). This variant has not been reported in the literature in individuals affected with PSAP-related conditions. ClinVar contains an entry for this variant (Variation ID: 1484286). Advanced modeling of protein sequence and biophysical properties (such as structural, functional, and spatial information, amino acid conservation, physicochemical variation, residue mobility, and thermodynamic stability) performed at Invitae indicates that this missense variant is expected to disrupt PSAP protein function with a positive predictive value of 80%. In summary, the available evidence is currently insufficient to determine the role of this variant in disease. Therefore, it has been classified as a Variant of Uncertain Significance.

NM_002778.4(PSAP):c.1067A>C (p.Glu356Ala)

Gene: PSAP (prosaposin; minus strand). Cytogenetic location: 10q22.1.
Variant type: single nucleotide variant.
Coding change: c.1067A>C on transcript NM_002778.4 (MANE Select); coding-DNA position 1067, A replaced by C.
Protein change: p.Glu356Ala; replaces glutamic acid 356 with alanine.
Molecular consequence: missense variant.
Genome position (GRCh38, 1-based): chr10:71,819,839, T>G on the plus strand (A>C on the coding strand, the complement: PSAP is on the minus strand). VCF-style: chr10-71819839-T-G. GRCh37 (hg19) VCF-style: chr10-73579596-T-G.
Other names: c.1076A>C, p.Glu359Ala (NM_001042465.3); c.1073A>C, p.Glu358Ala (NM_001042466.3); short protein forms E358A, E359A, E356A.
Identifiers: ClinVar variation 1484286 (VCV001484286.6), dbSNP rs763529106, ClinGen allele CA5547489.